The following is an entry in ClinVar:

ClinVar aggregate classification (germline): Uncertain significance (1 of 4 stars; one submission).

Conditions:
Joubert syndrome. Also called: Familial aplasia of the vermis; CEREBELLOPARENCHYMAL DISORDER IV; JOUBERT-BOLTSHAUSER SYNDROME. Identifiers: Orphanet 475, MedGen C5979921, MONDO:0018772.
Meckel-Gruber syndrome. Also called: Dysencephalia splachnocystica; DYSENCEPHALIA SPLANCHNOCYSTICA; GRUBER SYNDROME. Identifiers: Orphanet 564, MedGen C0265215, MONDO:0018921.
Nephronophthisis. Also called: Juvenile Nephronophthisis. Identifiers: Orphanet 655, MedGen C0687120, MONDO:0019005, HP:0000090.

Submission:

Labcorp Genetics (formerly Invitae), Labcorp
Classification: Uncertain significance for Joubert syndrome; Meckel-Gruber syndrome; Nephronophthisis. Last evaluated: 2020-08-26. Review status: criteria provided, single submitter. Criteria: Invitae Variant Classification Sherloc (09022015). Collection method: clinical testing. Allele origin: germline.
Comment: In summary, the available evidence is currently insufficient to determine the role of this variant in disease. Therefore, it has been classified as a Variant of Uncertain Significance. Algorithms developed to predict the effect of missense changes on protein structure and function (SIFT, PolyPhen-2, Align-GVGD) all suggest that this variant is likely to be tolerated, but these predictions have not been confirmed by published functional studies and their clinical significance is uncertain. This variant has not been reported in the literature in individuals with CEP290-related conditions. This variant is not present in population databases (ExAC no frequency). This sequence change replaces glutamic acid with glycine at codon 436 of the CEP290 protein (p.Glu436Gly). The glutamic acid residue is moderately conserved and there is a moderate physicochemical difference between glutamic acid and glycine.

NM_025114.4(CEP290):c.1307A>G (p.Glu436Gly)

Gene: CEP290 (centrosomal protein 290; minus strand). Cytogenetic location: 12q21.32.
Variant type: single nucleotide variant.
Coding change: c.1307A>G on transcript NM_025114.4 (MANE Select); coding-DNA position 1307, A replaced by G.
Protein change: p.Glu436Gly; replaces glutamic acid 436 with glycine.
Molecular consequence: missense variant.
Genome position (GRCh38, 1-based): chr12:88,121,049, T>C on the plus strand (A>G on the coding strand, the complement: CEP290 is on the minus strand). VCF-style: chr12-88121049-T-C. GRCh37 (hg19) VCF-style: chr12-88514826-T-C.
Other names: short protein forms E436G.
Identifiers: ClinVar variation 1047220 (VCV001047220.7), dbSNP rs2039366661, ClinGen allele CA385980521.
Genomic context (GRCh38, chr12:88,121,049, plus strand): 5'-ATACATACCGATTCATAATCTTTTAACCTCTTCAGAGCCTCAACTAATTCTTTATCCTTT[T>C]CCCTAGCATCAGCCTCAGCCAGTTCAGCTGTTCTCTCAGCCTCTTTAGTTTTCTCTTTTA-3'
Protein context (NP_079390.3, residues 426-446): TAELAEADAR[Glu436Gly]KDKELVEALK